The following is an entry in ClinVar:

ClinVar aggregate classification (germline): Uncertain significance (1 of 4 stars; one submission).

Submission:

Labcorp Genetics (formerly Invitae), Labcorp
Classification: Uncertain significance. Last evaluated: 2024-09-27. Review status: criteria provided, single submitter. Criteria: Invitae Variant Classification Sherloc (09022015). Collection method: clinical testing. Allele origin: germline.
Comment: This sequence change falls in intron 20 of the KDM1A gene. It does not directly change the encoded amino acid sequence of the KDM1A protein. It affects a nucleotide within the consensus splice site. This variant is present in population databases (rs750046542, gnomAD 0.006%). This variant has not been reported in the literature in individuals affected with KDM1A-related conditions. Variants that disrupt the consensus splice site are a relatively common cause of aberrant splicing (PMID: 17576681, 9536098). Algorithms developed to predict the effect of sequence changes on RNA splicing suggest that this variant may disrupt the consensus splice site. In summary, the available evidence is currently insufficient to determine the role of this variant in disease. Therefore, it has been classified as a Variant of Uncertain Significance.

Literature cited by the submitters: PubMed 17576681; PubMed 9536098.

NM_001009999.3(KDM1A):c.2446-3_2446-2insTTTA

Gene: KDM1A (lysine demethylase 1A; plus strand). Cytogenetic location: 1p36.12.
Variant type: Insertion.
Coding change: c.2446-3_2446-2insTTTA on transcript NM_001009999.3 (MANE Select); 3 bases into the intron before coding-DNA position 2446 through the canonical splice acceptor site of the intron before coding-DNA position 2446, TTTA inserted.
Molecular consequence: splice acceptor variant. On other transcripts: 3 prime UTR variant (1).
Genome position: GRCh38 VCF-style: chr1-23083176-T-TTTTA. GRCh37 (hg19) VCF-style: chr1-23409669-T-TTTTA.
Other names: c.2392-3_2392-2insTTTA (NM_001363654.2); c.2374-3_2374-2insTTTA (NM_015013.4); c.*691_*692insTTTA (NM_001410763.1); c.2452-3_2452-2insTTTA (NM_001410762.1).
Identifiers: ClinVar variation 3699022 (VCV003699022.2).